The following is an entry in ClinVar:

ClinVar aggregate classification (germline): Uncertain significance. Review status: criteria provided, multiple submitters, no conflicts (2 of 4 stars). 3 submissions from 3 submitters: Uncertain significance (2). 1 of the submissions does not count toward it. Last evaluated 2025-07-15.

Conditions:
Intellectual disability. Also called: intellectual disabilities; Intellectual developmental disorder; Intellectual functioning disability. Identifiers: MedGen C3714756, MeSH D008607, MONDO:0001071, HP:0001249.
Intellectual disability-strabismus syndrome (NEDBGF). Also called: NEURODEVELOPMENTAL DISORDER WITH BRAIN ABNORMALITIES, POOR GROWTH, AND DYSMORPHIC FACIES. Identifiers: Orphanet 363528, MedGen C4750838, MONDO:0014119, OMIM 615286.
Inborn genetic diseases. Identifiers: MedGen C0950123, MeSH D030342.

Allele frequency attached by ClinVar (database versions not stated): TOPMed 0.00005; gnomAD exomes 0.00004 and 0.00009; ExAC 0.00006; gnomAD 0.00003 and 0.00002.
gnomAD v4.1: 141 of 1,575,420 alleles (0.0089%); highest among the groups gnomAD compares: Non-Finnish European, 0.011%; no homozygotes.

Submissions (3):

Ambry Genetics
Classification: Uncertain significance for Inborn genetic diseases. Last evaluated: 2025-07-15. Review status: criteria provided, single submitter. Criteria: Ambry Variant Classification Scheme 2023. Collection method: clinical testing. Allele origin: germline.

Baylor Genetics
Classification: Uncertain significance for Intellectual disability-strabismus syndrome. Last evaluated: 2018-09-25. Review status: criteria provided, single submitter. Criteria: ACMG Guidelines, 2015. Collection method: clinical testing. Allele origin: paternal. Affected: yes.
Comment: This variant was determined to be of uncertain significance according to ACMG Guidelines, 2015 [PMID:25741868].

Centre de Biologie Pathologie Génétique, Centre Hospitalier Universitaire de Lille
Classification: Likely benign for Intellectual disability. Last evaluated: 2019-01-01. Review status: no assertion criteria provided. Collection method: clinical testing. Allele origin: inherited. Affected: yes. Not counted in ClinVar's aggregate classification.

NM_138422.4(ADAT3):c.751G>A (p.Gly251Ser)

Genes: ADAT3 (adenosine deaminase tRNA specific 3; plus strand), SCAMP4 (secretory carrier membrane protein 4; plus strand). Cytogenetic location: 19p13.3.
Variant type: single nucleotide variant.
Coding change: c.751G>A on transcript NM_138422.4 (MANE Select); coding-DNA position 751, G replaced by A.
Protein change: p.Gly251Ser; replaces glycine 251 with serine.
Molecular consequence: missense variant. On other transcripts: intron variant (3).
Genome position (GRCh38, 1-based): chr19:1,912,798, G>A. VCF-style: chr19-1912798-G-A. GRCh37 (hg19) VCF-style: chr19-1912797-G-A.
Other names: c.703G>A, p.Gly235Ser (NM_001329533.2); c.-41-2181G>A (NM_079834.4, NM_001329540.2); c.-125-4896G>A (NM_001329539.2); short protein forms G235S, G251S.
Identifiers: ClinVar variation 975317 (VCV000975317.6), dbSNP rs752566822, ClinGen allele CA9054583.